The following is an entry in ClinVar:

ClinVar aggregate classification (germline): Uncertain significance. Review status: criteria provided, multiple submitters, no conflicts (2 of 4 stars). 2 submissions from 2 submitters: Uncertain significance (2). Last evaluated 2024-04-26.

Conditions:
ALG1-congenital disorder of glycosylation. Also called: ALG1-CDG; CONGENITAL DISORDER OF GLYCOSYLATION, TYPE Ik; CDG Ik. Identifiers: Orphanet 79327, MedGen C2931005, MONDO:0012052, OMIM 608540.

Allele frequency attached by ClinVar (database versions not stated): ExAC 0.00012; gnomAD exomes 0.00012 and 0.00016; 1000 Genomes Project 30x 0.00016; TOPMed 0.00028; gnomAD 0.00029 and 0.00031.

Submissions (2):

Fulgent Genetics
Classification: Uncertain significance for ALG1-congenital disorder of glycosylation. Last evaluated: 2024-04-26. Review status: criteria provided, single submitter. Criteria: ACMG Guidelines, 2015. Collection method: clinical testing. Allele origin: germline.

Labcorp Genetics (formerly Invitae), Labcorp
Classification: Uncertain significance for ALG1-congenital disorder of glycosylation. Last evaluated: 2022-10-31. Review status: criteria provided, single submitter. Criteria: Invitae Variant Classification Sherloc (09022015). Collection method: clinical testing. Allele origin: germline.
Comment: This sequence change replaces arginine, which is basic and polar, with tryptophan, which is neutral and slightly polar, at codon 257 of the ALG1 protein (p.Arg257Trp). This variant is present in population databases (rs759843220, gnomAD 0.08%). This variant has not been reported in the literature in individuals affected with ALG1-related conditions. ClinVar contains an entry for this variant (Variation ID: 1371577). Advanced modeling of protein sequence and biophysical properties (such as structural, functional, and spatial information, amino acid conservation, physicochemical variation, residue mobility, and thermodynamic stability) performed at Invitae indicates that this missense variant is not expected to disrupt ALG1 protein function. In summary, the available evidence is currently insufficient to determine the role of this variant in disease. Therefore, it has been classified as a Variant of Uncertain Significance.

NM_019109.5(ALG1):c.769C>T (p.Arg257Trp)

Gene: ALG1 (ALG1 chitobiosyldiphosphodolichol beta-mannosyltransferase; plus strand). Cytogenetic location: 16p13.3.
Variant type: single nucleotide variant.
Coding change: c.769C>T on transcript NM_019109.5 (MANE Select); coding-DNA position 769, C replaced by T.
Protein change: p.Arg257Trp; replaces arginine 257 with tryptophan.
Molecular consequence: missense variant.
Genome position (GRCh38, 1-based): chr16:5,078,785, C>T. VCF-style: chr16-5078785-C-T. GRCh37 (hg19) VCF-style: chr16-5128786-C-T.
Other names: c.436C>T, p.Arg146Trp (NM_001330504.2); short protein forms R146W, R257W.
Identifiers: ClinVar variation 1371577 (VCV001371577.6), dbSNP rs759843220, ClinGen allele CA7890010.
Genomic context (GRCh38, chr16:5,078,785, plus strand): 5'-GCCTCTCACAGGCTTTTTTTCTGCTCCTTCAGCTCAGAACCTGAGGACCCAGTCACGGAG[C>T]GGTCGGCCTTCACGGAGCGGGATGCTGGGAGCGGGCTGGTGACGCGTCTCCGTGAGCGGC-3'
Protein context (NP_061982.3, residues 247-267): RSEPEDPVTE[Arg257Trp]SAFTERDAGS